The following is an entry in ClinVar:

ClinVar aggregate classification (germline): Pathogenic (1 of 4 stars; one submission).

Conditions:
Hereditary cancer-predisposing syndrome. Also called: Hereditary Cancer Syndrome; Hereditary neoplastic syndrome; Neoplastic Syndromes, Hereditary; Tumor predisposition. Identifiers: Orphanet 140162, MedGen C0027672, MeSH D009386, MONDO:0015356.

Submission:

Ambry Genetics
Classification: Pathogenic for Hereditary cancer-predisposing syndrome. Last evaluated: 2015-07-27. Review status: criteria provided, single submitter. Criteria: Ambry Variant Classification Scheme 2023. Collection method: clinical testing. Allele origin: germline.
Comment: The c.1549-1_1599dup52 pathogenic mutation results from a duplication of 52 nucleotides beginning one nucleotide before coding exon 12 and extending into coding exon 12 of the APC gene causing a translational frameshift with a predicted alternate stop codon. Since frameshifts are typically deleterious in nature, this alteration is interpreted as a disease-causing mutation (ACMG Recommendations for Standards for Interpretation and Reporting of Sequence Variations. Revision 2007. Genet Med. 2008;10:294).

NM_000038.6(APC):c.1549-1_1599dup

Gene: APC (APC regulator of Wnt signaling pathway; plus strand). Cytogenetic location: 5q22.2.
Variant type: Duplication.
Coding change: c.1549-1_1599dup on transcript NM_000038.6 (MANE Select); the canonical splice acceptor site of the intron before coding-DNA position 1549 through coding-DNA position 1599, 52 bases duplicated.
Molecular consequence: splice acceptor variant.
Genome position (GRCh38, 1-based): chr5:112,827,928-112,827,979, 52 bases duplicated. GRCh37 (hg19): chr5:112,163,625-112,163,676.
Other names: c.1549-1_1599dup (NM_001354895.2, NM_001127510.3); c.1579-1_1629dup (NM_001354897.2); c.1276-1_1326dup (NM_001354902.2); c.1495-1_1545dup (NM_001127511.3); c.1474-1_1524dup (NM_001354898.2); c.1171-1_1221dup (NM_001354904.2); c.700-1_750dup (NM_001354906.2); c.1603-1_1653dup (NM_001354896.2); and 5 more.
Identifiers: ClinVar variation 1774983 (VCV001774983.2), dbSNP rs2533217483, ClinGen allele CA2580072423.